The following is an entry in ClinVar:

NM_004104.5(FASN):c.3214A>G (p.Lys1072Glu)

Gene: FASN (fatty acid synthase; minus strand). Cytogenetic location: 17q25.3.
Variant type: single nucleotide variant.
Coding change: c.3214A>G on transcript NM_004104.5 (MANE Select); coding-DNA position 3214, A replaced by G.
Protein change: p.Lys1072Glu; replaces lysine 1072 with glutamic acid.
Molecular consequence: missense variant.
Genome position (GRCh38, 1-based): chr17:82,087,334, T>C on the plus strand (A>G on the coding strand, the complement: FASN is on the minus strand). VCF-style: chr17-82087334-T-C. GRCh37 (hg19) VCF-style: chr17-80045210-T-C.
Other names: short protein forms K1072E.
Identifiers: ClinVar variation 950780 (VCV000950780.8), dbSNP rs376111170, ClinGen allele CA8852477.

ClinVar aggregate classification (germline): Conflicting classifications of pathogenicity. Review status: criteria provided, conflicting classifications (1 of 4 stars). 2 submissions from 2 submitters: Uncertain significance (1); Likely benign (1). Last evaluated 2025-08-21.

Conditions:
Epileptic encephalopathy. Identifiers: MedGen C0543888, HP:0200134.

Allele frequency attached by ClinVar (database versions not stated): ExAC 0.00003; gnomAD exomes 0.00003 and 0.00004; TOPMed 0.00004; gnomAD 0.00005 and 0.00006.
gnomAD v4.1: 72 of 1,611,378 alleles (0.0045%); highest among the groups gnomAD compares: Non-Finnish European, 0.0055%; no homozygotes.

Submissions (2):

Labcorp Genetics (formerly Invitae), Labcorp
Classification: Uncertain significance for Epileptic encephalopathy. Last evaluated: 2025-08-21. Review status: criteria provided, single submitter. Criteria: Invitae Variant Classification Sherloc (09022015). Collection method: clinical testing. Allele origin: germline.
Comment: This sequence change replaces lysine, which is basic and polar, with glutamic acid, which is acidic and polar, at codon 1072 of the FASN protein (p.Lys1072Glu). This variant is present in population databases (rs376111170, gnomAD 0.01%). This variant has not been reported in the literature in individuals affected with FASN-related conditions. ClinVar contains an entry for this variant (Variation ID: 950780). An algorithm developed to predict the effect of missense changes on protein structure and function outputs the following: PolyPhen-2: "Benign". The glutamic acid amino acid residue is found in multiple mammalian species, which suggests that this missense change does not adversely affect protein function. In summary, the available evidence is currently insufficient to determine the role of this variant in disease. Therefore, it has been classified as a Variant of Uncertain Significance.

Ambry Genetics
Classification: Likely benign. Last evaluated: 2024-09-09. Review status: criteria provided, single submitter. Criteria: Ambry Variant Classification Scheme 2023. Collection method: clinical testing. Allele origin: germline.